The following is an entry in ClinVar:

NM_000282.4(PCCA):c.1055C>T (p.Thr352Ile)

Gene: PCCA (propionyl-CoA carboxylase subunit alpha; plus strand). Cytogenetic location: 13q32.3.
Variant type: single nucleotide variant.
Coding change: c.1055C>T on transcript NM_000282.4 (MANE Select); coding-DNA position 1055, C replaced by T.
Protein change: p.Thr352Ile; replaces threonine 352 with isoleucine.
Molecular consequence: missense variant. On other transcripts: non-coding transcript variant (5).
Genome position (GRCh38, 1-based): chr13:100,273,336, C>T. VCF-style: chr13-100273336-C-T. GRCh37 (hg19) VCF-style: chr13-100925590-C-T.
Other names: c.977C>T, p.Thr326Ile (NM_001127692.3, NM_001352607.2, NM_001352608.2); c.1055C>T, p.Thr352Ile (NM_001178004.2, NM_001352605.2, NM_001352606.2 and 1 more transcripts); c.110C>T, p.Thr37Ile (NM_001352610.2, NM_001352611.2, NM_001352612.2); short protein forms T326I, T37I, T352I.
Identifiers: ClinVar variation 1445813 (VCV001445813.6), dbSNP rs2063432405, ClinGen allele CA388694978.

ClinVar aggregate classification (germline): Uncertain significance (1 of 4 stars; one submission).

Conditions:
Propionic acidemia (PROP). Also called: GLYCINEMIA, KETOTIC; HYPERGLYCINEMIA WITH KETOACIDOSIS AND LEUKOPENIA; KETOTIC HYPERGLYCINEMIA. Identifiers: Orphanet 35, MedGen C0268579, MONDO:0011628, OMIM 606054, HP:0003571.

Submission:

Labcorp Genetics (formerly Invitae), Labcorp
Classification: Uncertain significance for Propionic acidemia. Last evaluated: 2021-08-24. Review status: criteria provided, single submitter. Criteria: Invitae Variant Classification Sherloc (09022015). Collection method: clinical testing. Allele origin: germline.
Comment: This sequence change replaces threonine with isoleucine at codon 352 of the PCCA protein (p.Thr352Ile). The threonine residue is highly conserved and there is a moderate physicochemical difference between threonine and isoleucine. This variant is not present in population databases (ExAC no frequency). This variant has not been reported in the literature in individuals affected with PCCA-related conditions. Advanced modeling of protein sequence and biophysical properties (such as structural, functional, and spatial information, amino acid conservation, physicochemical variation, residue mobility, and thermodynamic stability) performed at Invitae indicates that this missense variant is expected to disrupt PCCA protein function. In summary, the available evidence is currently insufficient to determine the role of this variant in disease. Therefore, it has been classified as a Variant of Uncertain Significance.